The following is an entry in ClinVar:

NM_020765.3(UBR4):c.10998G>A (p.Ser3666=)

Gene: UBR4 (ubiquitin protein ligase E3 component n-recognin 4; minus strand). Cytogenetic location: 1p36.13.
Variant type: single nucleotide variant.
Coding change: c.10998G>A on transcript NM_020765.3 (MANE Select); coding-DNA position 10998, G replaced by A.
Protein change: p.Ser3666=; no amino-acid change (serine 3666 retained).
Molecular consequence: synonymous variant.
Genome position (GRCh38, 1-based): chr1:19,115,463, C>T on the plus strand (G>A on the coding strand, the complement: UBR4 is on the minus strand). VCF-style: chr1-19115463-C-T. GRCh37 (hg19) VCF-style: chr1-19441957-C-T.
Identifiers: ClinVar variation 2638417 (VCV002638417.24), dbSNP rs148043514, ClinGen allele CA649069.

ClinVar aggregate classification (germline): Likely benign (1 of 4 stars; one submission).

Allele frequency attached by ClinVar (database versions not stated): 1000 Genomes Project 0.00020; 1000 Genomes Project 30x 0.00031; ESP Exome Variant Server 0.00046; ExAC 0.00051; TOPMed 0.00053; gnomAD 0.00055.
gnomAD v4.1: 756 of 1,614,124 alleles (0.047%); highest among the groups gnomAD compares: Middle Eastern, 0.18%; 4 homozygotes.

Submission:

CeGaT Center for Human Genetics Tuebingen
Classification: Likely benign. Last evaluated: 2022-10-01. Review status: criteria provided, single submitter. Criteria: CeGaT Center For Human Genetics Tuebingen Variant Classification Criteria Version 2. Collection method: clinical testing. Allele origin: germline. Affected: yes. Observed: 2 variant alleles.
Comment: UBR4: BP4, BP7